The following is an entry in ClinVar:

NM_000051.4(ATM):c.2466+10_2466+16del

Gene: ATM (ATM serine/threonine kinase; plus strand). Cytogenetic location: 11q22.3.
Variant type: Deletion.
Coding change: c.2466+10_2466+16del on transcript NM_000051.4 (MANE Select); bases 10 to 16 of the intron after coding-DNA position 2466, 7 bases deleted (CTTCCTG; older notation c.2466+10_2466+16delCTTCCTG).
Molecular consequence: intron variant.
Genome position (GRCh38, 1-based): chr11:108,259,085-108,259,091, CTTCCTG deleted; deleting any 7 consecutive bases within chr11:108,259,083-108,259,091 gives the same sequence; the c. name uses the placement nearest the transcript's 3' end. VCF-style (leftmost placement, unchanged base first): chr11-108259082-ATGCTTCC-A. GRCh37 (hg19) VCF-style: chr11-108129809-ATGCTTCC-A.
Other names: c.2466+10_2466+16del (NM_001351834.2).
Identifiers: ClinVar variation 1965706 (VCV001965706.6), dbSNP rs2497422123, ClinGen allele CA2580083373.

ClinVar aggregate classification (germline): Likely benign. Review status: criteria provided, multiple submitters, no conflicts (2 of 4 stars). 2 submissions from 2 submitters: Likely benign (2). Last evaluated 2024-12-09.

Conditions:
Ataxia-telangiectasia syndrome (AT). Also called: ATAXIA-TELANGIECTASIA, COMPLEMENTATION GROUP A; ATAXIA-TELANGIECTASIA, FRESNO VARIANT; Ataxia-telangiectasia, complementation group D; AT, COMPLEMENTATION GROUP C; Ataxia-telangiectasia; LOUIS-BAR SYNDROME. Identifiers: Orphanet 100, MedGen C0004135, MONDO:0008840, OMIM 208900.
Familial cancer of breast. Also called: BREAST CANCER, FAMILIAL; Hereditary breast cancer; hereditary breast carcinoma. Identifiers: Orphanet 227535, MedGen C0346153, MONDO:0016419, OMIM 114480. Disease mechanism: loss of function.

Submissions (2):

Labcorp Genetics (formerly Invitae), Labcorp
Classification: Likely benign for Ataxia-telangiectasia syndrome. Last evaluated: 2024-12-09. Review status: criteria provided, single submitter. Criteria: Invitae Variant Classification Sherloc (09022015). Collection method: clinical testing. Allele origin: germline.

Myriad Genetics, Inc.
Classification: Likely benign for Familial cancer of breast. Last evaluated: 2024-05-09. Review status: criteria provided, single submitter. Criteria: Myriad Autosomal Dominant, Autosomal Recessive and X-Linked Classification Criteria (2023). Collection method: clinical testing. Allele origin: unknown.
Comment: This variant is considered likely benign. This variant is intronic and is not expected to impact mRNA splicing.